The following is an entry in ClinVar:

NM_000138.5(FBN1):c.248-44G>A

Gene: FBN1 (fibrillin 1; minus strand). Cytogenetic location: 15q21.1.
Variant type: single nucleotide variant.
Coding change: c.248-44G>A on transcript NM_000138.5 (MANE Select); 44 bases into the intron before coding-DNA position 248, G replaced by A.
Molecular consequence: intron variant.
Genome position (GRCh38, 1-based): chr15:48,610,870, C>T on the plus strand (G>A on the coding strand, the complement: FBN1 is on the minus strand). VCF-style: chr15-48610870-C-T. GRCh37 (hg19) VCF-style: chr15-48903067-C-T.
Identifiers: ClinVar variation 674608 (VCV000674608.2), dbSNP rs186322296, ClinGen allele CA047793.

ClinVar aggregate classification (germline): Likely benign. Review status: criteria provided, multiple submitters, no conflicts (2 of 4 stars). 2 submissions from 2 submitters: Likely benign (2). Last evaluated 2018-06-14.

Allele frequency attached by ClinVar (database versions not stated): gnomAD 0.00162 and 0.00188; 1000 Genomes Project 0.00180; ESP Exome Variant Server 0.00185; 1000 Genomes Project 30x 0.00187; TOPMed 0.00208; gnomAD exomes 0.00258 and 0.00289; ExAC 0.00302.

Submissions (2):

GeneDx
Classification: Likely benign. Last evaluated: 2018-06-14. Review status: criteria provided, single submitter. Criteria: GeneDx Variant Classification (06012015). Collection method: clinical testing. Allele origin: germline. Affected: yes.
Comment: This variant is considered likely benign or benign based on one or more of the following criteria: it is a conservative change, it occurs at a poorly conserved position in the protein, it is predicted to be benign by multiple in silico algorithms, and/or has population frequency not consistent with disease.

Breakthrough Genomics
Classification: Likely benign. Review status: criteria provided, single submitter. Criteria: ACMG Guidelines, 2015. Collection method: not provided. Allele origin: germline. Inheritance: Autosomal dominant inheritance. Affected: yes.